The following is an entry in ClinVar:

ClinVar aggregate classification (germline): Uncertain significance (1 of 4 stars; one submission).

Allele frequency attached by ClinVar (database versions not stated): TOPMed below 0.00001; ExAC 0.00001; gnomAD 0.00001; gnomAD exomes 0.00001.

Submission:

CeGaT Center for Human Genetics Tuebingen
Classification: Uncertain significance. Last evaluated: 2022-05-01. Review status: criteria provided, single submitter. Criteria: CeGaT Center For Human Genetics Tuebingen Variant Classification Criteria Version 2. Collection method: clinical testing. Allele origin: germline. Affected: yes. Observed: 1 variant allele.
Comment: CACNA1G: PM2:Supporting, BP5

NM_018896.5(CACNA1G):c.6092C>T (p.Pro2031Leu)

Gene: CACNA1G (calcium voltage-gated channel subunit alpha1 G; plus strand). Cytogenetic location: 17q21.33.
Variant type: single nucleotide variant.
Coding change: c.6092C>T on transcript NM_018896.5 (MANE Select); coding-DNA position 6092, C replaced by T.
Protein change: p.Pro2031Leu; replaces proline 2031 with leucine.
Molecular consequence: missense variant. On other transcripts: non-coding transcript variant (5).
Genome position (GRCh38, 1-based): chr17:50,623,938, C>T. VCF-style: chr17-50623938-C-T. GRCh37 (hg19) VCF-style: chr17-48701299-C-T.
Other names: c.5711C>T, p.Pro1904Leu (NM_001256329.2, NM_198376.3, NM_198387.3); c.5678C>T, p.Pro1893Leu (NM_001256330.2); c.5657C>T, p.Pro1886Leu (NM_001256331.2); c.5642C>T, p.Pro1881Leu (NM_001256332.2); c.5813C>T, p.Pro1938Leu (NM_001256333.2, NM_198384.3); c.5780C>T, p.Pro1927Leu (NM_001256334.2, NM_198378.3); c.5732C>T, p.Pro1911Leu (NM_001256359.2); c.5705C>T, p.Pro1902Leu (NM_001256360.2); and 15 more; short protein forms P1881L, P1886L, P1893L, P1897L, P1900L, P1902L, P1904L, P1911L.
Identifiers: ClinVar variation 2647931 (VCV002647931.24), dbSNP rs745814197, ClinGen allele CA8653581.